The following is an entry in ClinVar:

ClinVar aggregate classification (germline): Uncertain significance (1 of 4 stars; one submission).

Submission:

Labcorp Genetics (formerly Invitae), Labcorp
Classification: Uncertain significance. Last evaluated: 2022-01-13. Review status: criteria provided, single submitter. Criteria: Invitae Variant Classification Sherloc (09022015). Collection method: clinical testing. Allele origin: germline.
Comment: In summary, the available evidence is currently insufficient to determine the role of this variant in disease. Therefore, it has been classified as a Variant of Uncertain Significance. Advanced modeling of protein sequence and biophysical properties (such as structural, functional, and spatial information, amino acid conservation, physicochemical variation, residue mobility, and thermodynamic stability) performed at Invitae indicates that this missense variant is not expected to disrupt KCNQ5 protein function. This variant has not been reported in the literature in individuals affected with KCNQ5-related conditions. This variant is not present in population databases (gnomAD no frequency). This sequence change replaces proline, which is neutral and non-polar, with threonine, which is neutral and polar, at codon 505 of the KCNQ5 protein (p.Pro505Thr).

NM_019842.4(KCNQ5):c.1456C>A (p.Pro486Thr)

Gene: KCNQ5 (potassium voltage-gated channel subfamily Q member 5; plus strand). Cytogenetic location: 6q13.
Variant type: single nucleotide variant.
Coding change: c.1456C>A on transcript NM_019842.4 (MANE Select); coding-DNA position 1456, C replaced by A.
Protein change: p.Pro486Thr; replaces proline 486 with threonine.
Molecular consequence: missense variant. On other transcripts: intron variant (1).
Genome position (GRCh38, 1-based): chr6:73,133,629, C>A. VCF-style: chr6-73133629-C-A. GRCh37 (hg19) VCF-style: chr6-73843352-C-A.
Other names: c.1429C>A, p.Pro477Thr (NM_001160130.2); c.1486C>A, p.Pro496Thr (NM_001160132.2); c.1513C>A, p.Pro505Thr (NM_001160133.2); c.1247+9117C>A (NM_001160134.2); short protein forms P477T, P496T, P486T, P505T.
Identifiers: ClinVar variation 1411445 (VCV001411445.6), dbSNP rs2150457757, ClinGen allele CA364828528.